The following is an entry in ClinVar:

ClinVar aggregate classification (germline): Benign (0 of 4 stars; one submission).

Conditions:
GABRB3-related disorder. Also called: GABRB3-related condition.

Submission:

PreventionGenetics, part of Exact Sciences
Classification: Benign for GABRB3-related condition. Last evaluated: 2019-10-24. Review status: no assertion criteria provided. Collection method: clinical testing. Allele origin: germline.
Comment: This variant is classified as benign based on ACMG/AMP sequence variant interpretation guidelines (Richards et al. 2015 PMID: 25741868, with internal and published modifications).

NM_000814.6(GABRB3):c.31G>T (p.Gly11Cys)

Gene: GABRB3 (gamma-aminobutyric acid type A receptor subunit beta3; minus strand). Cytogenetic location: 15q12.
Variant type: single nucleotide variant.
Coding change: c.31G>T on transcript NM_000814.6 (MANE Select); coding-DNA position 31, G replaced by T.
Protein change: p.Gly11Cys; replaces glycine 11 with cysteine.
Molecular consequence: missense variant. On other transcripts: 5 prime UTR variant (1), intron variant (1).
Genome position (GRCh38, 1-based): chr15:26,772,932, C>A on the plus strand (G>T on the coding strand, the complement: GABRB3 is on the minus strand). VCF-style: chr15-26772932-C-A. GRCh37 (hg19) VCF-style: chr15-27018079-C-A.
Other names: c.-321G>T (NM_001278631.2); c.81-160G>T (NM_021912.5); short protein forms G11C.
Identifiers: ClinVar variation 3034770 (VCV003034770.2), dbSNP rs1158134414, ClinGen allele CA391465651.